The following is an entry in ClinVar:

ClinVar aggregate classification (germline): Uncertain significance (1 of 4 stars; one submission).

gnomAD v4.1: 1 of 1,614,194 alleles (0.000062%); no homozygotes.

Submission:

GeneDx
Classification: Uncertain significance. Last evaluated: 2025-07-15. Review status: criteria provided, single submitter. Criteria: GeneDx Variant Classification Process June 2021. Collection method: clinical testing. Allele origin: germline. Affected: yes.
Comment: Not observed at significant frequency in large population cohorts (gnomAD); In silico analysis supports that this missense variant has a deleterious effect on protein structure/function; Has not been previously published as pathogenic or benign to our knowledge

NM_001114753.3(ENG):c.1664C>T (p.Pro555Leu)

Genes: ENG (endoglin; minus strand), LOC102723566 (uncharacterized LOC102723566; plus strand). Cytogenetic location: 9q34.11.
Variant type: single nucleotide variant.
Coding change: c.1664C>T on transcript NM_001114753.3 (MANE Select); coding-DNA position 1664, C replaced by T.
Protein change: p.Pro555Leu; replaces proline 555 with leucine.
Molecular consequence: missense variant.
Genome position (GRCh38, 1-based): chr9:127,818,142, G>A on the plus strand (C>T on the coding strand, the complement: ENG is on the minus strand). VCF-style: chr9-127818142-G-A. GRCh37 (hg19) VCF-style: chr9-130580421-G-A.
Other names: c.1664C>T, p.Pro555Leu (NM_000118.4); c.1118C>T, p.Pro373Leu (NM_001278138.2); short protein forms P373L, P555L.
Identifiers: ClinVar variation 4686500 (VCV004686500.1).